The following is an entry in ClinVar:

NM_000518.4(HBB):c.157G>A (p.Asp53Asn)

Genes: HBB (hemoglobin subunit beta; minus strand), LOC106099062 (HBB recombination region; plus strand), LOC107133510 (origin of replication at HBB; plus strand). Cytogenetic location: 11p15.4.
Variant type: single nucleotide variant.
Coding change: c.157G>A on transcript NM_000518.4; coding-DNA position 157, G replaced by A.
Protein change: p.Asp53Asn; replaces aspartic acid 53 with asparagine.
Molecular consequence: missense variant (on NM_000518.5).
Genome position (GRCh38, 1-based): chr11:5,226,735, C>T on the plus strand (G>A on the coding strand, the complement: HBB is on the minus strand). VCF-style: chr11-5226735-C-T. GRCh37 (hg19) VCF-style: chr11-5247965-C-T.
Other names: D52N; Hb Osu Christiansborg; Haemoglobin Osu-Christiansborg; c.157G>A, p.Asp53Asn (NM_000518.5); short protein forms D53N.
Identifiers: ClinVar variation 15302 (VCV000015302.29), dbSNP rs33961886, ClinGen allele CA125088.

ClinVar aggregate classification (germline): Conflicting classifications of pathogenicity. Review status: criteria provided, conflicting classifications (1 of 4 stars). 7 submissions from 7 submitters: Uncertain significance (2); Benign (2); Likely benign (1). 2 of the submissions do not count toward it. Last evaluated 2025-10-02.

Conditions:
beta Thalassemia (BTHAL). Also called: Cooley's anemia; Erythroblastic anemia; Mediterranean anemia. Identifiers: Orphanet 848, MedGen C0005283, MONDO:0019402. Disease mechanism: loss of function.

Allele frequency attached by ClinVar (database versions not stated): TOPMed below 0.00001; gnomAD exomes 0.00001; gnomAD 0.00001.

Submissions (7):

Quest Diagnostics Nichols Institute San Juan Capistrano
Classification: Uncertain significance. Last evaluated: 2025-10-02. Review status: criteria provided, single submitter. Criteria: Quest Diagnostics criteria. Collection method: clinical testing. Allele origin: unknown.
Comment: The HBB c.157G>A (p.Asp53Asn) variant (also known as Hb Osu Christiansborg) has been reported in the published literature as having normal stability (PMID: 640855 (1978)). Individuals heterozygous for this variant have a normal clinical presentation (HbVar, PMIDs: 15008267 (2004), 640855 (1978)). Compound heterozygosity of this variant with Hb S did not present with sickle cell disease (PMID: 5097135 (1971), and J Hematol (2016):5(1):74-75). Compound heterozygosity of this variant with Hb C has been reported in individuals with mild microcytic anemia (PMIDs: 27117572 (2016), 23297836 (2013)). The frequency of this variant in the general population (Genome Aggregation Database) is uninformative in the assessment of its pathogenicity. Analysis of this variant using bioinformatics tools for the prediction of the effect of amino acid changes on protein structure and function yielded conflicting predictions that this variant is deleterious or benign. Based on the available information, we are unable to determine the clinical significance of this variant.

ARUP Laboratories, Molecular Genetics and Genomics, ARUP Laboratories
Classification: Benign. Last evaluated: 2024-12-05. Review status: criteria provided, single submitter. Criteria: ARUP Molecular Germline Variant Investigation Process 2024. Collection method: clinical testing. Allele origin: germline.
Comment: The Hb Osu Christiansborg variant (HBB: c.157G>A; p.Asp53Asn, also known as Asp52Asn when numbered from the mature protein, rs33961886, HbVar ID: 334) has not been associated with any clinically significant phenotype even when found in trans with other hemoglobin variants (Hb C, Hb S) (see HbVar link, Boucher 2016, Cook 2013, Konotey-Ahulu 1971). This variant is reported in ClinVar (Variation ID: 15302) and is absent from the Genome Aggregation Database, indicating it is not a common polymorphism. The aspartic acid at codon 53 is weakly conserved, and computational analyses are uncertain whether this variant is neutral or deleterious (REVEL: 0.4). Based on available information, the Hb Osu Christiansborg variant is considered to be benign. References: Link to HbVar Database: Boucher MO et al. Mild Microcytic Anemia in an Infant with a Compound Heterozygosity for Hb C (HBB: c.19G>A) and Hb Osu Christiansborg (HBB: c.157G>A). Hemoglobin. 2016; 40(3):208-9. PMID: 27117572. Cook CM et al. The clinical and laboratory spectrum of Hb C (beta6(A3)Glu->Lys, GAG>AAG) disease. Hemoglobin. 2013; 37(1):16-25. PMID: 23297836. Konotey-Ahulu FI et al. Haemoglobin Osu-Christiansborg: a new beta-chain variant of haemoglobin A (beta52 (D3) aspartic acid leads to asparagine) in combination with haemoglobin S. J Med Genet. 1971; 8(3):302-5. PMID: 5097135.

Revvity Omics, Revvity
Classification: Uncertain significance. Last evaluated: 2023-08-10. Review status: criteria provided, single submitter. Criteria: ACMG Guidelines, 2015. Collection method: clinical testing. Allele origin: germline.

Women's Health and Genetics/Laboratory Corporation of America, LabCorp
Classification: Likely benign. Last evaluated: 2021-03-14. Review status: criteria provided, single submitter. Criteria: LabCorp Variant Classification Summary - May 2015. Collection method: clinical testing. Allele origin: germline.
Comment: Variant summary: HBB c.157G>A (p.Asp53Asn) also known as Haemoglobin Osu-Christiansborg results in a conservative amino acid change located in the Globin domain (IPR000971) of the encoded protein sequence. Five of five in-silico tools predict a benign effect of the variant on protein function. The variant was absent in 251440 control chromosomes. The available data on variant occurrences in the general population are insufficient to allow any conclusion about variant significance. c.157G>A has been reported in the literature and regognized by many reports as a non-pathological beta-gene mutant (example, Konotey-Ahulu_1971, Rodrigues Souza_2004, van Zwwieten_2014). It migrates identically to HbS on haemoglobin electrophoresis. It was observed in apparently unaffected individuals in the heterozygous state or in compound heterozygosity with HbS or HbC with normal hematological findings and hemoglobin pattern suitable to their carrier status, respectively. Based on Kapoor et al (2005), this variant may cause a falsely elevated level of HbA1c. To our knowledge, no experimental evidence demonstrating an impact on protein function has been reported. Five clinical diagnostic laboratories have submitted clinical-significance assessments for this variant to ClinVar after 2014 without evidence for independent evaluation (benign, n=3; likely benign, n=1, VUS, n=1). Based on the lack of conclusive evidence reporting this variant homozygously or in trans with other b+-thal or b0-thal variants as evidence outlined above, the variant was classified as likely benign for Hemoglobinopathy.

Mendelics
Classification: Benign for Beta-thalassemia HBB/LCRB. Last evaluated: 2019-05-28. Review status: criteria provided, single submitter. Criteria: Mendelics Assertion Criteria 2017. Collection method: clinical testing. Allele origin: unknown.

OMIM
Classification: Benign for HEMOGLOBIN OSU CHRISTIANSBORG. Last evaluated: 2017-12-12. Review status: no assertion criteria provided. Collection method: literature only. Allele origin: germline. Not counted in ClinVar's aggregate classification.

Natera, Inc.
Classification: Likely benign for Beta thalassemia. Last evaluated: 2017-09-16. Review status: no assertion criteria provided. Collection method: clinical testing. Allele origin: germline. Not counted in ClinVar's aggregate classification.

Literature cited by the submitters: PubMed 640855 (cited by Quest Diagnostics Nichols Institute San Juan Capistrano and Women's Health and Genetics/Laboratory Corporation of America, LabCorp); PubMed 39858575 (cited by Quest Diagnostics Nichols Institute San Juan Capistrano); PubMed 24200101 (cited by Quest Diagnostics Nichols Institute San Juan Capistrano and Women's Health and Genetics/Laboratory Corporation of America, LabCorp); PubMed 30501529 (cited by Quest Diagnostics Nichols Institute San Juan Capistrano); PubMed 26901597 (cited by Quest Diagnostics Nichols Institute San Juan Capistrano); PubMed 27207683 (cited by Quest Diagnostics Nichols Institute San Juan Capistrano); PubMed 26635043 (cited by Quest Diagnostics Nichols Institute San Juan Capistrano); PubMed 5097135 (cited by 3 submitters); PubMed 10335988 (cited by 3 submitters); PubMed 15008267 (cited by 3 submitters); PubMed 16178917 (cited by Quest Diagnostics Nichols Institute San Juan Capistrano and Women's Health and Genetics/Laboratory Corporation of America, LabCorp); PubMed 27117572 (cited by Quest Diagnostics Nichols Institute San Juan Capistrano); PubMed 23297836 (cited by Quest Diagnostics Nichols Institute San Juan Capistrano and Women's Health and Genetics/Laboratory Corporation of America, LabCorp); PubMed 18932067 (cited by Women's Health and Genetics/Laboratory Corporation of America, LabCorp).